The following is an entry in ClinVar:

ClinVar aggregate classification (germline): Uncertain significance. Review status: criteria provided, multiple submitters, no conflicts (2 of 4 stars). 4 submissions from 4 submitters: Uncertain significance (4). Last evaluated 2024-03-24.

Conditions:
3-hydroxy-3-methylglutaryl-CoA synthase deficiency (HMGCS2D). Also called: MITOCHONDRIAL HMG-CoA SYNTHASE DEFICIENCY; HMG-CoA synthase-2 deficiency; HMGCS2 DEFICIENCY. Identifiers: Orphanet 35701, MedGen C2751532, MONDO:0011614, OMIM 605911.

Allele frequency attached by ClinVar (database versions not stated): gnomAD 0.00007 and 0.00013; ESP Exome Variant Server 0.00008; gnomAD exomes 0.00010; TOPMed 0.00012; ExAC 0.00014; 1000 Genomes Project 0.00020; 1000 Genomes Project 30x 0.00031.
gnomAD v4.1: 107 of 1,613,038 alleles (0.0066%); highest among the groups gnomAD compares: Middle Eastern, 0.083%; 1 homozygote.

Submissions (4):

GeneDx
Classification: Uncertain significance. Last evaluated: 2024-03-24. Review status: criteria provided, single submitter. Criteria: GeneDx Variant Classification Process June 2021. Collection method: clinical testing. Allele origin: germline. Affected: yes.
Comment: Missense variants in this gene are a common cause of disease and they are underrepresented in the general population; In silico analysis supports that this missense variant does not alter protein structure/function; Has not been previously published as pathogenic or benign to our knowledge

Labcorp Genetics (formerly Invitae), Labcorp
Classification: Uncertain significance for 3-hydroxy-3-methylglutaryl-CoA synthase deficiency. Last evaluated: 2021-08-31. Review status: criteria provided, single submitter. Criteria: Invitae Variant Classification Sherloc (09022015). Collection method: clinical testing. Allele origin: germline.
Comment: This sequence change replaces arginine with histidine at codon 92 of the HMGCS2 protein (p.Arg92His). The arginine residue is weakly conserved and there is a small physicochemical difference between arginine and histidine. This variant is present in population databases (rs144921290, ExAC 0.05%). This variant has not been reported in the literature in individuals affected with HMGCS2-related conditions. ClinVar contains an entry for this variant (Variation ID: 292338). Algorithms developed to predict the effect of missense changes on protein structure and function output the following: SIFT: "Tolerated"; PolyPhen-2: "Benign"; Align-GVGD: "Class C0". The histidine amino acid residue is found in multiple mammalian species, which suggests that this missense change does not adversely affect protein function. In summary, the available evidence is currently insufficient to determine the role of this variant in disease. Therefore, it has been classified as a Variant of Uncertain Significance.

Illumina Laboratory Services, Illumina
Classification: Uncertain significance for 3-hydroxy-3-methylglutaryl-CoA synthase deficiency. Last evaluated: 2018-01-12. Review status: criteria provided, single submitter. Criteria: ICSL Variant Classification Criteria 13 December 2019. Collection method: clinical testing. Allele origin: germline.

Breakthrough Genomics
Classification: Uncertain significance. Review status: criteria provided, single submitter. Criteria: ACMG Guidelines, 2015. Collection method: not provided. Allele origin: germline. Inheritance: Autosomal recessive inheritance. Affected: yes.

NM_005518.4(HMGCS2):c.275G>A (p.Arg92His)

Gene: HMGCS2 (3-hydroxy-3-methylglutaryl-CoA synthase 2; minus strand). Cytogenetic location: 1p12.
Variant type: single nucleotide variant.
Coding change: c.275G>A on transcript NM_005518.4 (MANE Select); coding-DNA position 275, G replaced by A.
Protein change: p.Arg92His; replaces arginine 92 with histidine.
Molecular consequence: missense variant.
Genome position (GRCh38, 1-based): chr1:119,764,456, C>T on the plus strand (G>A on the coding strand, the complement: HMGCS2 is on the minus strand). VCF-style: chr1-119764456-C-T. GRCh37 (hg19) VCF-style: chr1-120307079-C-T.
Other names: c.275G>A, p.Arg92His (NM_001166107.1); short protein forms R92H.
Identifiers: ClinVar variation 292338 (VCV000292338.13), dbSNP rs144921290, ClinGen allele CA1037918.